The following is an entry in ClinVar:

ClinVar aggregate classification (germline): Conflicting classifications of pathogenicity. Review status: criteria provided, conflicting classifications (1 of 4 stars). 3 submissions from 3 submitters: Uncertain significance (1); Likely benign (2). Last evaluated 2025-11-05.

Conditions:
Hereditary cancer-predisposing syndrome. Also called: Hereditary neoplastic syndrome; Neoplastic Syndromes, Hereditary; Tumor predisposition; Hereditary Cancer Syndrome. Identifiers: Orphanet 140162, MedGen C0027672, MeSH D009386, MONDO:0015356.
Hereditary breast ovarian cancer syndrome. Also called: Hereditary breast and ovarian cancer syndrome (HBOC); Breast and ovarian cancer; Hereditary breast and/or ovarian cancer syndrome; BRCA1- and BRCA2-Associated Hereditary Breast and Ovarian Cancer; Hereditary breast and ovarian cancer syndrome; Hereditary breast and ovarian cancer. Identifiers: Orphanet 145, MedGen C0677776, MeSH D061325, MONDO:0003582. Disease mechanism: loss of function.

Allele frequency attached by ClinVar (database versions not stated): gnomAD exomes below 0.00001.
gnomAD v4.1: 6 of 1,614,132 alleles (0.00037%); highest among the groups gnomAD compares: Non-Finnish European, 0.00051%; no homozygotes.

Submissions (3):

Labcorp Genetics (formerly Invitae), Labcorp
Classification: Uncertain significance for Hereditary breast ovarian cancer syndrome. Last evaluated: 2025-11-05. Review status: criteria provided, single submitter. Criteria: Invitae Variant Classification Sherloc (09022015). Collection method: clinical testing. Allele origin: germline.
Comment: This sequence change replaces serine, which is neutral and polar, with glycine, which is neutral and non-polar, at codon 1178 of the BRCA2 protein (p.Ser1178Gly). This variant is not present in population databases (gnomAD no frequency). This variant has not been reported in the literature in individuals affected with BRCA2-related conditions. ClinVar contains an entry for this variant (Variation ID: 185420). Invitae Evidence Modeling of protein sequence and biophysical properties (such as structural, functional, and spatial information, amino acid conservation, physicochemical variation, residue mobility, and thermodynamic stability) indicates that this missense variant is not expected to disrupt BRCA2 protein function with a negative predictive value of 95%. In summary, the available evidence is currently insufficient to determine the role of this variant in disease. Therefore, it has been classified as a Variant of Uncertain Significance.

Ambry Genetics
Classification: Likely benign for Hereditary cancer-predisposing syndrome. Last evaluated: 2025-04-15. Review status: criteria provided, single submitter. Criteria: Ambry Variant Classification Scheme 2023. Collection method: clinical testing. Allele origin: germline.

University of Washington Department of Laboratory Medicine, University of Washington
Classification: Likely benign for Hereditary cancer-predisposing syndrome. Last evaluated: 2023-03-23. Review status: criteria provided, single submitter. Criteria: Dines et al. (Genet Med. 2020). Collection method: curation. Allele origin: germline.
Comment: Missense variant in a coldspot region where missense variants are very unlikely to be pathogenic (PMID:31911673).

BRCA2 exon 11 coldspot. Reclassification based on statistical prior probability.

NM_000059.4(BRCA2):c.3532A>G (p.Ser1178Gly)

Gene: BRCA2 (BRCA2 DNA repair associated; plus strand). Cytogenetic location: 13q13.1.
Variant type: single nucleotide variant.
Coding change: c.3532A>G on transcript NM_000059.4 (MANE Select); coding-DNA position 3532, A replaced by G.
Protein change: p.Ser1178Gly; replaces serine 1178 with glycine.
Molecular consequence: missense variant.
Genome position (GRCh38, 1-based): chr13:32,337,887, A>G. VCF-style: chr13-32337887-A-G. GRCh37 (hg19) VCF-style: chr13-32912024-A-G.
Other names: short protein forms S1178G.
Identifiers: ClinVar variation 185420 (VCV000185420.15), dbSNP rs41293481, ClinGen allele CA018276.